The following is an entry in ClinVar:

NM_021961.6(TEAD1):c.873+15_873+16delinsTT

Gene: TEAD1 (TEA domain transcription factor 1; plus strand). Cytogenetic location: 11p15.3.
Variant type: Indel.
Coding change: c.873+15_873+16delinsTT on transcript NM_021961.6 (MANE Select); bases 15 to 16 of the intron after coding-DNA position 873, GC replaced by TT.
Molecular consequence: intron variant.
Genome position (GRCh38, 1-based): chr11:12,902,128-12,902,129, GC replaced by TT. VCF-style: chr11-12902128-GC-TT. GRCh37 (hg19) VCF-style: chr11-12923675-GC-TT.
Identifiers: ClinVar variation 4812136 (VCV004812136.1).

ClinVar aggregate classification (germline): Uncertain significance (1 of 4 stars; one submission).

Submission:

Labcorp Genetics (formerly Invitae), Labcorp
Classification: Uncertain significance. Last evaluated: 2026-01-06. Review status: criteria provided, single submitter. Criteria: Invitae Variant Classification Sherloc (09022015). Collection method: clinical testing. Allele origin: germline.
Comment: This sequence change falls in intron 10 of the TEAD1 gene. It does not directly change the encoded amino acid sequence of the TEAD1 protein. Information on the frequency of this variant in the gnomAD database is not available, as this variant may be reported differently in the database. This variant has not been reported in the literature in individuals affected with TEAD1-related conditions. Experimental studies and prediction algorithms are not available or were not evaluated, and the effect of this variant on mRNA splicing is currently unknown. In summary, the available evidence is currently insufficient to determine the role of this variant in disease. Therefore, it has been classified as a Variant of Uncertain Significance.